The following is an entry in ClinVar:

NM_020451.3(SELENON):c.1384T>C

Gene: SELENON (selenoprotein N; plus strand). Cytogenetic location: 1p36.11.
Variant type: single nucleotide variant.
Coding change: c.1384T>C on transcript NM_020451.3; coding-DNA position 1384, T replaced by C.
Genome position (GRCh38, 1-based): chr1:25,812,789, T>C. VCF-style: chr1-25812789-T-C. GRCh37 (hg19) VCF-style: chr1-26139280-T-C.
Other names: c.1282T>C (NM_206926.2).
Identifiers: ClinVar variation 3629721 (VCV003629721.1).

ClinVar aggregate classification (germline): Likely pathogenic (1 of 4 stars; one submission).

Conditions:
Eichsfeld type congenital muscular dystrophy (CMYO3). Also called: MYOPATHY, SEPN1-RELATED; SELENON-related myopathy; Congenital myopathy 3 with rigid spine; Rigid spine muscular dystrophy 1. Identifiers: MedGen C0410180, MONDO:0100100, OMIM 602771.

Submission:

Women's Health and Genetics/Laboratory Corporation of America, LabCorp
Classification: Likely pathogenic for Eichsfeld type congenital muscular dystrophy. Last evaluated: 2024-11-11. Review status: criteria provided, single submitter. Criteria: LabCorp Variant Classification Summary - May 2015. Collection method: clinical testing. Allele origin: germline.
Comment: Variant summary: SELENON c.1384T>C (p.Sec462Arg; aka.p.U462R) results in a non-conservative amino acid change at the selenocysteine residue located in the active site of the encoded protein sequence. The variant was absent in 245756 control chromosomes (gnomAD). c.1384T>C has been reported in the literature in at least three compound heterozygous individuals affected with Eichsfeld Type Congenital Muscular Dystrophy (Rigid Spine Muscular Dystrophy 1) (e.g. Dai_2016, Fan_2022). To our knowledge, no experimental evidence demonstrating an impact on protein function has been reported. However, a different variant affecting the same codon (c.1384T>G, Sec462Gly) is reported in multiple affected individuals, supporting the critical relevance of codon 462 to SELENON protein function. These data indicate that the variant is likely associated with disease. The following publications have been ascertained in the context of this evaluation (PMID: 27863379, 35368679). No submitters have cited clinical-significance assessments for this variant to ClinVar. Based on the evidence outlined above, the variant was classified as likely pathogenic.

Literature cited by the submitters: PubMed 27863379; PubMed 35368679.